The following is an entry in ClinVar:

ClinVar aggregate classification (germline): Uncertain significance (1 of 4 stars; one submission).

Conditions:
Wilms tumor 1 (WT1). Also called: Wilms tumor, somatic. Identifiers: Orphanet 654, MedGen CN033288, MONDO:0008679, OMIM 194070.

gnomAD v4.1: 3 of 1,208,604 alleles (0.00025%); highest among the groups gnomAD compares: African/African-American, 0.0053%; no homozygotes.

Submission:

Labcorp Genetics (formerly Invitae), Labcorp
Classification: Uncertain significance for Wilms tumor 1. Last evaluated: 2021-12-24. Review status: criteria provided, single submitter. Criteria: Invitae Variant Classification Sherloc (09022015). Collection method: clinical testing. Allele origin: germline.
Comment: This sequence change replaces asparagine, which is neutral and polar, with isoleucine, which is neutral and non-polar, at codon 162 of the GPC3 protein (p.Asn162Ile). This variant is present in population databases (no rsID available, gnomAD 0.03%), including at least one homozygous and/or hemizygous individual. This variant has not been reported in the literature in individuals affected with GPC3-related conditions. Algorithms developed to predict the effect of missense changes on protein structure and function (SIFT, PolyPhen-2, Align-GVGD) all suggest that this variant is likely to be disruptive. In summary, the available evidence is currently insufficient to determine the role of this variant in disease. Therefore, it has been classified as a Variant of Uncertain Significance.

NM_004484.4(GPC3):c.485A>T (p.Asn162Ile)

Gene: GPC3 (glypican 3; minus strand). Cytogenetic location: Xq26.2.
Variant type: single nucleotide variant.
Coding change: c.485A>T on transcript NM_004484.4 (MANE Select); coding-DNA position 485, A replaced by T.
Protein change: p.Asn162Ile; replaces asparagine 162 with isoleucine.
Molecular consequence: missense variant.
Genome position (GRCh38, 1-based): chrX:133,754,029, T>A on the plus strand (A>T on the coding strand, the complement: GPC3 is on the minus strand). VCF-style: chrX-133754029-T-A. GRCh37 (hg19) VCF-style: chrX-132888056-T-A.
Other names: c.485A>T, p.Asn162Ile (NM_001164617.2); c.437A>T, p.Asn146Ile (NM_001164618.2); c.323A>T, p.Asn108Ile (NM_001164619.2); short protein forms N162I, N146I, N108I.
Identifiers: ClinVar variation 2073025 (VCV002073025.4), dbSNP rs780431445, ClinGen allele CA414706524.
Genomic context (GRCh38, chrX:133,754,029, plus strand): 5'-AGCTGGGTATAGATGACTGGAAACAGGCTGTCAAACAATTCATTGACCATGTCATCTACA[T>A]TGATGTCAGAACCCAAGATGTAGAGAGACACATCTGTGAAAAATTCACCCACAAACTCAA-3'
Protein context (NP_004475.1, residues 152-172): VSLYILGSDI[Asn162Ile]VDDMVNELFD